The following is an entry in ClinVar:

ClinVar aggregate classification (germline): Likely benign. Review status: criteria provided, multiple submitters, no conflicts (2 of 4 stars). 2 submissions from 2 submitters: Likely benign (2). Last evaluated 2022-08-22.

Conditions:
Dilated cardiomyopathy 1G (CMD1G). Identifiers: Orphanet 154, MedGen C1858763, MONDO:0011400, OMIM 604145.
Autosomal recessive limb-girdle muscular dystrophy type 2J (LGMDR10). Also called: Limb-girdle muscular dystrophy, type 2J; MUSCULAR DYSTROPHY, LIMB-GIRDLE, AUTOSOMAL RECESSIVE 10. Identifiers: Orphanet 140922, MedGen C1837342, MONDO:0012127, OMIM 608807.

Allele frequency attached by ClinVar (database versions not stated): TOPMed below 0.00001; gnomAD 0.00001.
gnomAD v4.1: 1 of 1,613,756 alleles (0.000062%); highest among the groups gnomAD compares: African/African-American, 0.0013%; no homozygotes.

Submissions (2):

Labcorp Genetics (formerly Invitae), Labcorp
Classification: Likely benign for Dilated cardiomyopathy 1G; Autosomal recessive limb-girdle muscular dystrophy type 2J. Last evaluated: 2022-08-22. Review status: criteria provided, single submitter. Criteria: Invitae Variant Classification Sherloc (09022015). Collection method: clinical testing. Allele origin: germline.

GeneDx
Classification: Likely benign. Last evaluated: 2017-04-27. Review status: criteria provided, single submitter. Criteria: GeneDx Variant Classification (06012015). Collection method: clinical testing. Allele origin: germline. Affected: yes.
Comment: This variant is considered likely benign or benign based on one or more of the following criteria: it is a conservative change, it occurs at a poorly conserved position in the protein, it is predicted to be benign by multiple in silico algorithms, and/or has population frequency not consistent with disease.

NM_001267550.2(TTN):c.106143T>C (p.Ser35381=)

Genes: TTN (titin; minus strand), TTN-AS1 (TTN antisense RNA 1; plus strand), LOC129935182 (ATAC-STARR-seq lymphoblastoid active region 16807; plus strand). Cytogenetic location: 2q31.2.
Variant type: single nucleotide variant.
Coding change: c.106143T>C on transcript NM_001267550.2 (MANE Select); coding-DNA position 106143, T replaced by C.
Protein change: p.Ser35381=; no amino-acid change (serine 35381 retained).
Molecular consequence: synonymous variant.
Genome position (GRCh38, 1-based): chr2:178,530,472, A>G on the plus strand (T>C on the coding strand, the complement: TTN is on the minus strand). VCF-style: chr2-178530472-A-G. GRCh37 (hg19) VCF-style: chr2-179395199-A-G.
Other names: c.101220T>C, p.Ser33740= (NM_001256850.1); c.78948T>C, p.Ser26316= (NM_003319.4); c.98439T>C, p.Ser32813= (NM_133378.4); c.79323T>C, p.Ser26441= (NM_133432.3); c.79524T>C, p.Ser26508= (NM_133437.4).
Identifiers: ClinVar variation 509259 (VCV000509259.10), dbSNP rs961119478, ClinGen allele CA60953382.